The following is an entry in ClinVar:

NM_001363711.2(DUOX2):c.1813C>G (p.Leu605Val)

Gene: DUOX2 (dual oxidase 2; minus strand). Cytogenetic location: 15q21.1.
Variant type: single nucleotide variant.
Coding change: c.1813C>G on transcript NM_001363711.2 (MANE Select); coding-DNA position 1813, C replaced by G.
Protein change: p.Leu605Val; replaces leucine 605 with valine.
Molecular consequence: missense variant.
Genome position (GRCh38, 1-based): chr15:45,106,850, G>C on the plus strand (C>G on the coding strand, the complement: DUOX2 is on the minus strand). VCF-style: chr15-45106850-G-C. GRCh37 (hg19) VCF-style: chr15-45399048-G-C.
Other names: c.1813C>G, p.Leu605Val (NM_014080.5); short protein forms L605V.
Identifiers: ClinVar variation 3389612 (VCV003389612.14).

ClinVar aggregate classification (germline): Uncertain significance (1 of 4 stars; one submission).

gnomAD v4.1: 1 of 1,593,396 alleles (0.000063%); highest among the groups gnomAD compares: Non-Finnish European, 0.000085%; no homozygotes.

Submission:

CeGaT Center for Human Genetics Tuebingen
Classification: Uncertain significance. Last evaluated: 2024-09-01. Review status: criteria provided, single submitter. Criteria: CeGaT Center For Human Genetics Tuebingen Variant Classification Criteria Version 2. Collection method: clinical testing. Allele origin: germline. Affected: yes. Observed: 1 variant allele.
Comment: DUOX2: PM2, BP4